The following is an entry in ClinVar:

ClinVar aggregate classification (germline): Pathogenic. Review status: criteria provided, multiple submitters, no conflicts (2 of 4 stars). 2 submissions from 2 submitters: Pathogenic (2). Last evaluated 2020-02-05.

Conditions:
Polycystic kidney disease, adult type (PKD1). Also called: POLYCYSTIC KIDNEY DISEASE 1 WITH OR WITHOUT POLYCYSTIC LIVER DISEASE; POLYCYSTIC KIDNEY DISEASE, ADULT, TYPE I; Polycystic Kidney, Autosomal Dominant; Polycystic Kidney Disease 1, Autosomal Dominant; Polycystic kidney disease 1; Polycystic kidney disease 1, severe. Identifiers: MedGen C3149841, MONDO:0008263, OMIM 173900.

Submissions (2):

Cavalleri Lab, Royal College of Surgeons in Ireland
Classification: Pathogenic for Polycystic kidney disease, adult type. Last evaluated: 2020-02-05. Review status: criteria provided, single submitter. Criteria: ACMG Guidelines, 2015. Collection method: research. Allele origin: unknown. Inheritance: Autosomal dominant inheritance. Affected: yes.
Comment: PVS1, PM2, PP4

Athena Diagnostics
Classification: Pathogenic. Last evaluated: 2019-06-13. Review status: criteria provided, single submitter. Criteria: Athena Diagnostics Criteria. Collection method: clinical testing. Allele origin: germline.
Comment: The variant creates a premature nonsense codon, and is therefore predicted to result in the loss of a functional protein. Found in at least one symptomatic patient, and found in general population data that is consistent with pathogenicity.

Literature cited by the submitters: PubMed 22508176 (cited by Athena Diagnostics).

NM_001009944.3(PKD1):c.7833C>G (p.Tyr2611Ter)

Gene: PKD1 (polycystin 1, transient receptor potential channel interacting; minus strand). Cytogenetic location: 16p13.3.
Variant type: single nucleotide variant.
Coding change: c.7833C>G on transcript NM_001009944.3 (MANE Select); coding-DNA position 7833, C replaced by G.
Protein change: p.Tyr2611Ter; replaces tyrosine 2611 with a stop codon.
Molecular consequence: nonsense.
Genome position (GRCh38, 1-based): chr16:2,105,895, G>C on the plus strand (C>G on the coding strand, the complement: PKD1 is on the minus strand). VCF-style: chr16-2105895-G-C. GRCh37 (hg19) VCF-style: chr16-2155896-G-C.
Other names: c.7833C>G, p.Tyr2611Ter (NM_000296.4); short protein forms Y2611*.
Identifiers: ClinVar variation 805184 (VCV000805184.2), dbSNP rs138871063, ClinGen allele CA394367705.
Genomic context (GRCh38, chr16:2,105,895, plus strand): 5'-ATGTGACGTCCCCTCCCAGGCTGCACTCACCTCGTTCAGCACGGTGACCAGGGCCAACGA[G>C]TACTCGATGACGTGCTGGGGATCGGCCTGCCGCAGCAGCCCTGGGAGCACACTAGCGGTG-3'